The following is an entry in ClinVar:

NM_000094.4(COL7A1):c.873T>A (p.Ser291Arg)

Gene: COL7A1 (collagen type VII alpha 1 chain; minus strand). Cytogenetic location: 3p21.31.
Variant type: single nucleotide variant.
Coding change: c.873T>A on transcript NM_000094.4 (MANE Select); coding-DNA position 873, T replaced by A.
Protein change: p.Ser291Arg; replaces serine 291 with arginine.
Molecular consequence: missense variant.
Genome position (GRCh38, 1-based): chr3:48,592,673, A>T on the plus strand (T>A on the coding strand, the complement: COL7A1 is on the minus strand). VCF-style: chr3-48592673-A-T. GRCh37 (hg19) VCF-style: chr3-48630106-A-T.
Other names: short protein forms S291R.
Identifiers: ClinVar variation 1471700 (VCV001471700.8), dbSNP rs2107795279, ClinGen allele CA352740418.

ClinVar aggregate classification (germline): Uncertain significance (1 of 4 stars; one submission).

Submission:

Labcorp Genetics (formerly Invitae), Labcorp
Classification: Uncertain significance. Last evaluated: 2021-02-22. Review status: criteria provided, single submitter. Criteria: Invitae Variant Classification Sherloc (09022015). Collection method: clinical testing. Allele origin: germline.
Comment: Algorithms developed to predict the effect of missense changes on protein structure and function output the following: SIFT: "Deleterious"; PolyPhen-2: "Not Available"; Align-GVGD: "Class C0". The arginine amino acid residue is found in multiple mammalian species, suggesting that this missense change does not adversely affect protein function. These predictions have not been confirmed by published functional studies and their clinical significance is uncertain. In summary, the available evidence is currently insufficient to determine the role of this variant in disease. Therefore, it has been classified as a Variant of Uncertain Significance. This sequence change replaces serine with arginine at codon 291 of the COL7A1 protein (p.Ser291Arg). The serine residue is moderately conserved and there is a moderate physicochemical difference between serine and arginine. This variant is not present in population databases (ExAC no frequency). This variant has not been reported in the literature in individuals with COL7A1-related conditions.